The following is an entry in ClinVar:

ClinVar aggregate classification (germline): Uncertain significance. Review status: criteria provided, multiple submitters, no conflicts (2 of 4 stars). 3 submissions from 3 submitters: Uncertain significance (3). Last evaluated 2025-07-15.

Conditions:
Inborn genetic diseases. Identifiers: MedGen C0950123, MeSH D030342.
LAMB2-related infantile-onset nephrotic syndrome. Also called: NEPHROTIC SYNDROME, TYPE 5, WITHOUT OCULAR ABNORMALITIES; NEPHROTIC SYNDROME, TYPE 5, WITH OCULAR ABNORMALITIES; Nephrotic Syndrome, type 5. Identifiers: Orphanet 306507, MedGen C3280113, MONDO:0013621, OMIM 614199.
Pierson syndrome. Also called: MICROCORIA-CONGENITAL NEPHROTIC SYNDROME. Identifiers: Orphanet 2670, MedGen C1836876, MONDO:0012184, OMIM 609049.

Allele frequency attached by ClinVar (database versions not stated): ExAC 0.00001; gnomAD exomes 0.00001; TOPMed 0.00001; gnomAD 0.00002 and 0.00003.

Submissions (3):

Ambry Genetics
Classification: Uncertain significance for Inborn genetic diseases. Last evaluated: 2025-07-15. Review status: criteria provided, single submitter. Criteria: Ambry Variant Classification Scheme 2023. Collection method: clinical testing. Allele origin: germline.

Fulgent Genetics
Classification: Uncertain significance for Pierson syndrome; LAMB2-related infantile-onset nephrotic syndrome. Last evaluated: 2024-04-15. Review status: criteria provided, single submitter. Criteria: ACMG Guidelines, 2015. Collection method: clinical testing. Allele origin: germline.

Labcorp Genetics (formerly Invitae), Labcorp
Classification: Uncertain significance for LAMB2-related infantile-onset nephrotic syndrome; Pierson syndrome. Last evaluated: 2021-12-25. Review status: criteria provided, single submitter. Criteria: Invitae Variant Classification Sherloc (09022015). Collection method: clinical testing. Allele origin: germline.
Comment: Algorithms developed to predict the effect of missense changes on protein structure and function are either unavailable or do not agree on the potential impact of this missense change (SIFT: "Deleterious"; PolyPhen-2: "Benign"; Align-GVGD: "Class C0"). In summary, the available evidence is currently insufficient to determine the role of this variant in disease. Therefore, it has been classified as a Variant of Uncertain Significance. This sequence change replaces threonine, which is neutral and polar, with methionine, which is neutral and non-polar, at codon 1221 of the LAMB2 protein (p.Thr1221Met). This variant is present in population databases (rs770277410, gnomAD 0.003%). This variant has not been reported in the literature in individuals affected with LAMB2-related conditions.

NM_002292.4(LAMB2):c.3662C>T (p.Thr1221Met)

Gene: LAMB2 (laminin subunit beta 2; minus strand). Cytogenetic location: 3p21.31.
Variant type: single nucleotide variant.
Coding change: c.3662C>T on transcript NM_002292.4 (MANE Select); coding-DNA position 3662, C replaced by T.
Protein change: p.Thr1221Met; replaces threonine 1221 with methionine.
Molecular consequence: missense variant.
Genome position (GRCh38, 1-based): chr3:49,123,863, G>A on the plus strand (C>T on the coding strand, the complement: LAMB2 is on the minus strand). VCF-style: chr3-49123863-G-A. GRCh37 (hg19) VCF-style: chr3-49161296-G-A.
Other names: c.3662C>T (NM_002292.3); short protein forms T1221M.
Identifiers: ClinVar variation 1361448 (VCV001361448.9), dbSNP rs770277410, ClinGen allele CA2393988.